The following is an entry in ClinVar:

NM_033409.4(SLC52A3):c.802C>T (p.Arg268Trp)

Gene: SLC52A3 (solute carrier family 52 member 3; minus strand). Cytogenetic location: 20p13.
Variant type: single nucleotide variant.
Coding change: c.802C>T on transcript NM_033409.4 (MANE Select); coding-DNA position 802, C replaced by T.
Protein change: p.Arg268Trp; replaces arginine 268 with tryptophan.
Molecular consequence: missense variant.
Genome position (GRCh38, 1-based): chr20:763,769, G>A on the plus strand (C>T on the coding strand, the complement: SLC52A3 is on the minus strand). VCF-style: chr20-763769-G-A. GRCh37 (hg19) VCF-style: chr20-744413-G-A.
Other names: c.802C>T, p.Arg268Trp (NM_001370085.1, NM_001370086.1); short protein forms R268W.
Identifiers: ClinVar variation 873320 (VCV000873320.8), dbSNP rs145498634, ClinGen allele CA9724678.
Genomic context (GRCh38, chr20:763,769, plus strand): 5'-GATACCCCTGGCCCTGGCTGCTGTCCACCGTGCCTGCAGGGCCCAAGTCATTCTCTTCCC[G>A]CGGCCGGATGGAGTGGAGGGTGACCTGGTCATTGAGGAGGTCTTCCACGGAAGCCTCCCA-3'
Protein context (NP_212134.3, residues 258-278): DQVTLHSIRP[Arg268Trp]EENDLGPAGT

ClinVar aggregate classification (germline): Conflicting classifications of pathogenicity. Review status: criteria provided, conflicting classifications (1 of 4 stars). 4 submissions from 4 submitters: Likely pathogenic (2); Uncertain significance (2). Last evaluated 2023-12-22.

Conditions:
Madras motor neuron disease. Identifiers: Orphanet 137867, MedGen C0393551, MONDO:0015307.
Inborn genetic diseases. Identifiers: MedGen C0950123, MeSH D030342.
Auditory neuropathy. Identifiers: MedGen C1852271, MONDO:0021944.
Brown-Vialetto-van Laere syndrome 1. Also called: BROWN-VIALETTO-VAN LAERE SYNDROME 1, MILD; BULBAR PALSY, PROGRESSIVE, WITH SENSORINEURAL DEAFNESS; PONTOBULBAR PALSY WITH DEAFNESS. Identifiers: Orphanet 572550, Orphanet 97229, MedGen C0796274, MONDO:0024537, OMIM 211530.

Allele frequency attached by ClinVar (database versions not stated): TOPMed 0.00002.
gnomAD v4.1: 59 of 1,614,016 alleles (0.0037%); highest among the groups gnomAD compares: Admixed American, 0.02%; no homozygotes.

Submissions (4):

WangQJ Lab, Chinese People's Liberation Army General Hospital
Classification: Likely pathogenic for Auditory neuropathy. Last evaluated: 2023-12-22. Review status: criteria provided, single submitter. Criteria: Submitter's publication. Collection method: research. Allele origin: germline. Affected: yes. Observed: 1 variant allele.

Labcorp Genetics (formerly Invitae), Labcorp
Classification: Uncertain significance for Brown-Vialetto-van Laere syndrome 1. Last evaluated: 2022-09-01. Review status: criteria provided, single submitter. Criteria: Invitae Variant Classification Sherloc (09022015). Collection method: clinical testing. Allele origin: germline.
Comment: This sequence change replaces arginine, which is basic and polar, with tryptophan, which is neutral and slightly polar, at codon 268 of the SLC52A3 protein (p.Arg268Trp). This variant is present in population databases (rs145498634, gnomAD 0.03%). This variant has not been reported in the literature in individuals affected with SLC52A3-related conditions. ClinVar contains an entry for this variant (Variation ID: 873320). Algorithms developed to predict the effect of missense changes on protein structure and function are either unavailable or do not agree on the potential impact of this missense change (SIFT: "Tolerated"; PolyPhen-2: "Possibly Damaging"; Align-GVGD: "Class C0"). In summary, the available evidence is currently insufficient to determine the role of this variant in disease. Therefore, it has been classified as a Variant of Uncertain Significance.

Ambry Genetics
Classification: Uncertain significance for Inborn genetic diseases. Last evaluated: 2022-05-12. Review status: criteria provided, single submitter. Criteria: Ambry Variant Classification Scheme 2023. Collection method: clinical testing. Allele origin: germline.
Comment: The p.R268W variant (also known as c.802C>T), located in coding exon 2 of the SLC52A3 gene, results from a C to T substitution at nucleotide position 802. The arginine at codon 268 is replaced by tryptophan, an amino acid with dissimilar properties. This alteration was detected in the homozygous state in an individual with Madras motor neuron disease; however, clinical details were limited (Tunca C et al. Hum Mutat, 2020 08;41:e7-e45). This amino acid position is well conserved in available vertebrate species. In addition, this alteration is predicted to be tolerated by in silico analysis. Since supporting evidence is limited at this time, the clinical significance of this alteration remains unclear.

Suna and Inan Kirac Foundation Neurodegeneration Research Laboratory, Koc University
Classification: Likely pathogenic for Madras motor neuron disease. Last evaluated: 2020-03-31. Review status: criteria provided, single submitter. Criteria: ACMG Guidelines, 2015. Collection method: research. Allele origin: germline. Affected: yes. Observed: 1 variant allele.

Literature cited by the submitters: PubMed 32579787 (cited by Ambry Genetics).